The following is an entry in ClinVar:

NM_000215.4(JAK3):c.1143-28C>T

Gene: JAK3 (Janus kinase 3; minus strand). Cytogenetic location: 19p13.11.
Variant type: single nucleotide variant.
Coding change: c.1143-28C>T on transcript NM_000215.4 (MANE Select); 28 bases into the intron before coding-DNA position 1143, C replaced by T.
Molecular consequence: intron variant.
Genome position (GRCh38, 1-based): chr19:17,840,369, G>A on the plus strand (C>T on the coding strand, the complement: JAK3 is on the minus strand). VCF-style: chr19-17840369-G-A. GRCh37 (hg19) VCF-style: chr19-17951178-G-A.
Identifiers: ClinVar variation 1221017 (VCV001221017.6), dbSNP rs3212741, ClinGen allele CA9301976.

ClinVar aggregate classification (germline): Benign. Review status: criteria provided, multiple submitters, no conflicts (2 of 4 stars). 3 submissions from 3 submitters: Benign (3). Last evaluated 2024-01-24.

Allele frequency attached by ClinVar (database versions not stated): 1000 Genomes Project 0.10603; 1000 Genomes Project 30x 0.10634; TOPMed 0.14474; gnomAD 0.15463 and 0.15618; ESP Exome Variant Server 0.16638; gnomAD exomes 0.16876; ExAC 0.18421.
gnomAD v4.1: 289,387 of 1,453,662 alleles (20%); highest among the groups gnomAD compares: Non-Finnish European, 23%; 31,189 homozygotes.

Submissions (3):

Unidad de Genómica Garrahan, Hospital de Pediatría Garrahan
Classification: Benign. Last evaluated: 2024-01-24. Review status: criteria provided, single submitter. Criteria: ACMG Guidelines, 2015. Collection method: clinical testing. Allele origin: germline. Affected: no. Observed: 20 variant alleles.
Comment: This variant is classified as Benign based on local population frequency. This variant was detected in 23% of patients studied by a panel of primary immunodeficiencies. Number of patients: 20. Only high quality variants are reported.

GeneDx
Classification: Benign. Last evaluated: 2018-06-23. Review status: criteria provided, single submitter. Criteria: GeneDx Variant Classification Process June 2021. Collection method: clinical testing. Allele origin: germline. Affected: yes.

Breakthrough Genomics
Classification: Benign. Review status: criteria provided, single submitter. Criteria: ACMG Guidelines, 2015. Collection method: not provided. Allele origin: germline. Inheritance: Autosomal recessive inheritance. Affected: yes.